The following is an entry in ClinVar:

NM_198578.4(LRRK2):c.3103A>G (p.Lys1035Glu)

Gene: LRRK2 (leucine rich repeat kinase 2; plus strand). Cytogenetic location: 12q12.
Variant type: single nucleotide variant.
Coding change: c.3103A>G on transcript NM_198578.4 (MANE Select); coding-DNA position 3103, A replaced by G.
Protein change: p.Lys1035Glu; replaces lysine 1035 with glutamic acid.
Molecular consequence: missense variant.
Genome position (GRCh38, 1-based): chr12:40,298,249, A>G. VCF-style: chr12-40298249-A-G. GRCh37 (hg19) VCF-style: chr12-40692051-A-G.
Other names: short protein forms K1035E.
Identifiers: ClinVar variation 3292023 (VCV003292023.1).

ClinVar aggregate classification (germline): Uncertain significance (1 of 4 stars; one submission).

Conditions:
Inborn genetic diseases. Identifiers: MedGen C0950123, MeSH D030342.

gnomAD v4.1: 1 of 1,613,330 alleles (0.000062%); highest among the groups gnomAD compares: African/African-American, 0.0013%; no homozygotes.

Submission:

Ambry Genetics
Classification: Uncertain significance for Inborn genetic diseases. Last evaluated: 2024-05-18. Review status: criteria provided, single submitter. Criteria: Ambry Variant Classification Scheme 2023. Collection method: clinical testing. Allele origin: germline.
Comment: The p.K1035E variant (also known as c.3103A>G), located in coding exon 24 of the LRRK2 gene, results from an A to G substitution at nucleotide position 3103. The lysine at codon 1035 is replaced by glutamic acid, an amino acid with similar properties. This amino acid position is conserved. In addition, the in silico prediction for this alteration is inconclusive. Based on the available evidence, the clinical significance of this variant remains unclear.